The following is an entry in ClinVar:

NM_005159.5(ACTC1):c.62C>T (p.Ala21Val)

Genes: GJD2-DT (GJD2 divergent transcript; plus strand), ACTC1 (actin alpha cardiac muscle 1; minus strand). Cytogenetic location: 15q14.
Variant type: single nucleotide variant.
Coding change: c.62C>T on transcript NM_005159.5 (MANE Select); coding-DNA position 62, C replaced by T.
Protein change: p.Ala21Val; replaces alanine 21 with valine.
Molecular consequence: missense variant.
Genome position (GRCh38, 1-based): chr15:34,794,747, G>A on the plus strand (C>T on the coding strand, the complement: ACTC1 is on the minus strand). VCF-style: chr15-34794747-G-A. GRCh37 (hg19) VCF-style: chr15-35086948-G-A.
Other names: c.62C>T (LRG_388t1); short protein forms A21V.
Identifiers: ClinVar variation 410264 (VCV000410264.9), dbSNP rs1060502823, ClinGen allele CA16614451.

ClinVar aggregate classification (germline): Conflicting classifications of pathogenicity. Review status: criteria provided, conflicting classifications (1 of 4 stars). 2 submissions from 2 submitters: Likely pathogenic (1); Uncertain significance (1). Last evaluated 2024-02-01.

Conditions:
ACTC1-related disorder. Also called: ACTC1-related condition.
Dilated cardiomyopathy 1R (CMD1R). Identifiers: Orphanet 154, Orphanet 54260, MedGen C3150681, MONDO:0013261, OMIM 613424.
Hypertrophic cardiomyopathy 11. Also called: ACTC1-Related Familial Hypertrophic Cardiomyopathy. Identifiers: MedGen C2677506, MONDO:0012799, OMIM 612098.
Atrial septal defect 5 (ASD5). Identifiers: Orphanet 1478, MedGen C2748552, MONDO:0013011, OMIM 612794.

Submissions (2):

Labcorp Genetics (formerly Invitae), Labcorp
Classification: Uncertain significance for Dilated cardiomyopathy 1R; Hypertrophic cardiomyopathy 11; Atrial septal defect 5. Last evaluated: 2024-02-01. Review status: criteria provided, single submitter. Criteria: Invitae Variant Classification Sherloc (09022015). Collection method: clinical testing. Allele origin: germline.
Comment: This sequence change replaces alanine, which is neutral and non-polar, with valine, which is neutral and non-polar, at codon 21 of the ACTC1 protein (p.Ala21Val). This variant is not present in population databases (gnomAD no frequency). This missense change has been observed in individuals with clinical features of hypertrophic cardiomyopathy, left ventricular noncompaction, or dilated cardiomyopathy (PMID: 29440008; Invitae). ClinVar contains an entry for this variant (Variation ID: 410264). Advanced modeling of protein sequence and biophysical properties (such as structural, functional, and spatial information, amino acid conservation, physicochemical variation, residue mobility, and thermodynamic stability) performed at Invitae indicates that this missense variant is not expected to disrupt ACTC1 protein function with a negative predictive value of 80%. In summary, the available evidence is currently insufficient to determine the role of this variant in disease. Therefore, it has been classified as a Variant of Uncertain Significance.

Blueprint Genetics
Classification: Likely pathogenic for ACTC1-related disorders. Last evaluated: 2023-10-12. Review status: criteria provided, single submitter. Criteria: ACMG Guidelines, 2015. Collection method: clinical testing. Allele origin: germline. Affected: yes. Observed: 1 variant allele.

Literature cited by the submitters: PubMed 29440008 (cited by Labcorp Genetics (formerly Invitae), Labcorp).